The following is an entry in ClinVar:

NM_006019.4(TCIRG1):c.2312T>G (p.Val771Gly)

Gene: TCIRG1 (T cell immune regulator 1, ATPase H+ transporting V0 subunit a3; plus strand). Cytogenetic location: 11q13.2.
Variant type: single nucleotide variant.
Coding change: c.2312T>G on transcript NM_006019.4 (MANE Select); coding-DNA position 2312, T replaced by G.
Protein change: p.Val771Gly; replaces valine 771 with glycine.
Molecular consequence: missense variant.
Genome position (GRCh38, 1-based): chr11:68,050,562, T>G. VCF-style: chr11-68050562-T-G. GRCh37 (hg19) VCF-style: chr11-67818029-T-G.
Other names: c.1418T>G, p.Val473Gly (NM_001351059.2); c.1664T>G, p.Val555Gly (NM_006053.4); short protein forms V473G, V555G, V771G.
Identifiers: ClinVar variation 1445427 (VCV001445427.5), dbSNP rs1334689643, ClinGen allele CA381591541.

ClinVar aggregate classification (germline): Uncertain significance (1 of 4 stars; one submission).

Allele frequency attached by ClinVar (database versions not stated): gnomAD exomes below 0.00001; TOPMed below 0.00001; gnomAD 0.00001.
gnomAD v4.1: 3 of 1,613,566 alleles (0.00019%); highest among the groups gnomAD compares: Non-Finnish European, 0.00025%; no homozygotes.

Submission:

Labcorp Genetics (formerly Invitae), Labcorp
Classification: Uncertain significance. Last evaluated: 2021-09-17. Review status: criteria provided, single submitter. Criteria: Invitae Variant Classification Sherloc (09022015). Collection method: clinical testing. Allele origin: germline.
Comment: This sequence change replaces valine with glycine at codon 771 of the TCIRG1 protein (p.Val771Gly). The valine residue is weakly conserved and there is a moderate physicochemical difference between valine and glycine. This variant is not present in population databases (ExAC no frequency). This variant has not been reported in the literature in individuals with TCIRG1-related conditions. Algorithms developed to predict the effect of missense changes on protein structure and function are either unavailable or do not agree on the potential impact of this missense change (SIFT: "Deleterious"; PolyPhen-2: "Possibly Damaging"; Align-GVGD: "Class C0"). In summary, the available evidence is currently insufficient to determine the role of this variant in disease. Therefore, it has been classified as a Variant of Uncertain Significance.